The following is an entry in ClinVar:

ClinVar aggregate classification (germline): Uncertain significance. Review status: criteria provided, multiple submitters, no conflicts (2 of 4 stars). 2 submissions from 2 submitters: Uncertain significance (2). Last evaluated 2025-01-20.

Allele frequency attached by ClinVar (database versions not stated): gnomAD exomes below 0.00001.
gnomAD v4.1: 1 of 1,613,992 alleles (0.000062%); highest among the groups gnomAD compares: African/African-American, 0.0013%; no homozygotes.

Submissions (2):

Ambry Genetics
Classification: Uncertain significance. Last evaluated: 2025-01-20. Review status: criteria provided, single submitter. Criteria: Ambry Variant Classification Scheme 2023. Collection method: clinical testing. Allele origin: germline.

Labcorp Genetics (formerly Invitae), Labcorp
Classification: Uncertain significance. Last evaluated: 2022-06-18. Review status: criteria provided, single submitter. Criteria: Invitae Variant Classification Sherloc (09022015). Collection method: clinical testing. Allele origin: germline.
Comment: This sequence change replaces glutamic acid, which is acidic and polar, with lysine, which is basic and polar, at codon 1317 of the CACNA1B protein (p.Glu1317Lys). This variant is not present in population databases (gnomAD no frequency). This variant has not been reported in the literature in individuals affected with CACNA1B-related conditions. Advanced modeling of protein sequence and biophysical properties (such as structural, functional, and spatial information, amino acid conservation, physicochemical variation, residue mobility, and thermodynamic stability) performed at Invitae indicates that this missense variant is not expected to disrupt CACNA1B protein function. In summary, the available evidence is currently insufficient to determine the role of this variant in disease. Therefore, it has been classified as a Variant of Uncertain Significance.

NM_000718.4(CACNA1B):c.3949G>A (p.Glu1317Lys)

Gene: CACNA1B (calcium voltage-gated channel subunit alpha1 B; plus strand). Cytogenetic location: 9q34.3.
Variant type: single nucleotide variant.
Coding change: c.3949G>A on transcript NM_000718.4 (MANE Select); coding-DNA position 3949, G replaced by A.
Protein change: p.Glu1317Lys; replaces glutamic acid 1317 with lysine.
Molecular consequence: missense variant.
Genome position (GRCh38, 1-based): chr9:138,053,987, G>A. VCF-style: chr9-138053987-G-A. GRCh37 (hg19) VCF-style: chr9-140948439-G-A.
Other names: c.3949G>A, p.Glu1317Lys (NM_001243812.2); c.3949G>A (NM_000718.3); short protein forms E1317K.
Identifiers: ClinVar variation 2050972 (VCV002050972.2), dbSNP rs199790408, ClinGen allele CA201852095.